The following is an entry in ClinVar:

ClinVar aggregate classification (germline): Benign/Likely benign. Review status: criteria provided, multiple submitters, no conflicts (2 of 4 stars). 4 submissions from 4 submitters: Benign (1); Likely benign (3). Last evaluated 2025-09-29.

Conditions:
Hereditary nonpolyposis colorectal neoplasms. Identifiers: MedGen C0009405, MeSH D003123.
Lynch syndrome 5 (LYNCH5). Also called: Colorectal cancer, hereditary nonpolyposis, type 5; Hereditary non-polyposis colorectal cancer, type 5. Identifiers: Orphanet 144, MedGen C1833477, MONDO:0013710, OMIM 614350. Disease mechanism: loss of function.
Hereditary cancer-predisposing syndrome. Also called: Neoplastic Syndromes, Hereditary; Tumor predisposition; Hereditary neoplastic syndrome; Hereditary Cancer Syndrome. Identifiers: Orphanet 140162, MedGen C0027672, MeSH D009386, MONDO:0015356.

Submissions (4):

Ambry Genetics
Classification: Likely benign for Hereditary cancer-predisposing syndrome. Last evaluated: 2025-09-29. Review status: criteria provided, single submitter. Criteria: Ambry Variant Classification Scheme 2023. Collection method: clinical testing. Allele origin: germline.

Labcorp Genetics (formerly Invitae), Labcorp
Classification: Likely benign for Hereditary nonpolyposis colorectal neoplasms. Last evaluated: 2025-02-17. Review status: criteria provided, single submitter. Criteria: Invitae Variant Classification Sherloc (09022015). Collection method: clinical testing. Allele origin: germline.

Myriad Genetics, Inc.
Classification: Benign for Lynch syndrome 5. Last evaluated: 2024-12-26. Review status: criteria provided, single submitter. Criteria: Myriad Autosomal Dominant, Autosomal Recessive and X-Linked Classification Criteria (2023). Collection method: clinical testing. Allele origin: unknown.
Comment: This variant is considered benign. This variant is a silent/synonymous amino acid change and it is not expected to impact splicing.

Color Diagnostics, LLC DBA Color Health
Classification: Likely benign for Hereditary cancer-predisposing syndrome. Last evaluated: 2018-10-02. Review status: criteria provided, single submitter. Criteria: ACMG Guidelines, 2015. Collection method: clinical testing. Allele origin: germline.

NM_000179.3(MSH6):c.1419G>C (p.Leu473=)

Gene: MSH6 (mutS homolog 6; plus strand). Cytogenetic location: 2p16.3.
Variant type: single nucleotide variant.
Coding change: c.1419G>C on transcript NM_000179.3 (MANE Select); coding-DNA position 1419, G replaced by C.
Protein change: p.Leu473=; no amino-acid change (leucine 473 retained).
Molecular consequence: synonymous variant.
Genome position (GRCh38, 1-based): chr2:47,799,402, G>C. VCF-style: chr2-47799402-G-C. GRCh37 (hg19) VCF-style: chr2-48026541-G-C.
Other names: c.1029G>C, p.Leu343= (NM_001281492.2); c.513G>C, p.Leu171= (NM_001281493.2, NM_001281494.2).
Identifiers: ClinVar variation 629375 (VCV000629375.13), dbSNP rs864622535, ClinGen allele CA426121186.